The following is an entry in ClinVar:

NM_000553.6(WRN):c.2614G>A (p.Asp872Asn)

Gene: WRN (WRN RecQ like helicase; plus strand). Cytogenetic location: 8p12.
Variant type: single nucleotide variant.
Coding change: c.2614G>A on transcript NM_000553.6 (MANE Select); coding-DNA position 2614, G replaced by A.
Protein change: p.Asp872Asn; replaces aspartic acid 872 with asparagine.
Molecular consequence: missense variant.
Genome position (GRCh38, 1-based): chr8:31,120,408, G>A. VCF-style: chr8-31120408-G-A. GRCh37 (hg19) VCF-style: chr8-30977924-G-A.
Other names: short protein forms D872N.
Identifiers: ClinVar variation 458426 (VCV000458426.5), dbSNP rs1554528417, ClinGen allele CA370915783.
Genomic context (GRCh38, chr8:31,120,408, plus strand): 5'-ATTGGTAGAGCTGGTCGTGATGGACTTCAAAGTTCTTGTCACGTCCTCTGGGCTCCTGCA[G>A]ACATTAACTTAAATAGGTAAAAAAAATTTATTGTTTTTACTCTTGCAGATTTCTTTCTTT-3'
Protein context (NP_000544.2, residues 862-882): SSCHVLWAPA[Asp872Asn]INLNRHLLTE

ClinVar aggregate classification (germline): Uncertain significance (1 of 4 stars; one submission).

Conditions:
Werner syndrome (WRN). Identifiers: Orphanet 902, MedGen C0043119, MONDO:0010196, OMIM 277700.

Allele frequency attached by ClinVar (database versions not stated): gnomAD exomes below 0.00001.
gnomAD v4.1: 1 of 1,612,340 alleles (0.000062%); highest among the groups gnomAD compares: Non-Finnish European, 0.000085%; no homozygotes.

Submission:

Labcorp Genetics (formerly Invitae), Labcorp
Classification: Uncertain significance for Werner syndrome. Last evaluated: 2024-04-05. Review status: criteria provided, single submitter. Criteria: Invitae Variant Classification Sherloc (09022015). Collection method: clinical testing. Allele origin: germline.
Comment: This sequence change replaces aspartic acid, which is acidic and polar, with asparagine, which is neutral and polar, at codon 872 of the WRN protein (p.Asp872Asn). This variant is not present in population databases (gnomAD no frequency). This variant has not been reported in the literature in individuals affected with WRN-related conditions. ClinVar contains an entry for this variant (Variation ID: 458426). An algorithm developed to predict the effect of missense changes on protein structure and function (PolyPhen-2) suggests that this variant is likely to be disruptive. In summary, the available evidence is currently insufficient to determine the role of this variant in disease. Therefore, it has been classified as a Variant of Uncertain Significance.